The following is an entry in ClinVar:

NM_001211.6(BUB1B):c.491C>T (p.Ala164Val)

Gene: BUB1B (BUB1 mitotic checkpoint serine/threonine kinase B; plus strand). Cytogenetic location: 15q15.1.
Variant type: single nucleotide variant.
Coding change: c.491C>T on transcript NM_001211.6 (MANE Select); coding-DNA position 491, C replaced by T.
Protein change: p.Ala164Val; replaces alanine 164 with valine.
Molecular consequence: missense variant.
Genome position (GRCh38, 1-based): chr15:40,176,583, C>T. VCF-style: chr15-40176583-C-T. GRCh37 (hg19) VCF-style: chr15-40468784-C-T.
Other names: short protein forms A164V.
Identifiers: ClinVar variation 4826648 (VCV004826648.1).

ClinVar aggregate classification (germline): Uncertain significance (1 of 4 stars; one submission).

Conditions:
Inborn genetic diseases. Identifiers: MedGen C0950123, MeSH D030342.

gnomAD v4.1: 1 of 1,614,004 alleles (0.000062%); highest among the groups gnomAD compares: Middle Eastern, 0.016%; no homozygotes.

Submission:

Ambry Genetics
Classification: Uncertain significance for Inborn genetic diseases. Last evaluated: 2026-02-24. Review status: criteria provided, single submitter. Criteria: Ambry Variant Classification Scheme 2023. Collection method: clinical testing. Allele origin: germline.
Comment: The p.A164V variant (also known as c.491C>T), located in coding exon 5 of the BUB1B gene, results from a C to T substitution at nucleotide position 491. The alanine at codon 164 is replaced by valine, an amino acid with similar properties. This amino acid position is conserved. In addition, this alteration is predicted to be tolerated by in silico analysis. Based on the available evidence, the clinical significance of this variant remains unclear.